The following is an entry in ClinVar:

ClinVar aggregate classification (germline): Uncertain significance (1 of 4 stars; one submission).

Conditions:
Developmental and epileptic encephalopathy, 41 (DEE41). Also called: Epileptic encephalopathy, early infantile, 41. Identifiers: MedGen C4310717, MONDO:0014916, OMIM 617105.

Submission:

Dasa
Classification: Uncertain significance for Developmental and epileptic encephalopathy, 41. Last evaluated: 2025-09-05. Review status: criteria provided, single submitter. Criteria: DASA Assertion Criteria. Collection method: clinical testing. Allele origin: germline.
Comment: NM_004171.4(SLC1A2):c.394G>T (p.Ala132Ser) is a missense variant that results in the substitution of alanine with serine. This variant is absent from population databases. The currently available literature and clinical evidence are not sufficient to establish a definitive association between this variant and the reported condition. Therefore, this variant is classified as a variant of uncertain significance.

NM_004171.4(SLC1A2):c.394G>T (p.Ala132Ser)

Gene: SLC1A2 (solute carrier family 1 member 2; minus strand). Cytogenetic location: 11p13.
Variant type: single nucleotide variant.
Coding change: c.394G>T on transcript NM_004171.4 (MANE Select); coding-DNA position 394, G replaced by T.
Protein change: p.Ala132Ser; replaces alanine 132 with serine.
Molecular consequence: missense variant.
Genome position (GRCh38, 1-based): chr11:35,312,365, C>A on the plus strand (G>T on the coding strand, the complement: SLC1A2 is on the minus strand). VCF-style: chr11-35312365-C-A. GRCh37 (hg19) VCF-style: chr11-35333912-C-A.
Other names: c.367G>T, p.Ala123Ser (NM_001195728.3, NM_001252652.2, NM_001439341.1); c.382G>T, p.Ala128Ser (NM_001439342.1); c.394G>T, p.Ala132Ser (NM_001439343.1); short protein forms A123S, A128S, A132S.
Identifiers: ClinVar variation 4882707 (VCV004882707.2).